The following is an entry in ClinVar:

NM_001267550.2(TTN):c.79281C>G (p.Asp26427Glu)

Genes: TTN (titin; minus strand), TTN-AS1 (TTN antisense RNA 1; plus strand). Cytogenetic location: 2q31.2.
Variant type: single nucleotide variant.
Coding change: c.79281C>G on transcript NM_001267550.2 (MANE Select); coding-DNA position 79281, C replaced by G.
Protein change: p.Asp26427Glu; replaces aspartic acid 26427 with glutamic acid.
Molecular consequence: missense variant.
Genome position (GRCh38, 1-based): chr2:178,566,851, G>C on the plus strand (C>G on the coding strand, the complement: TTN is on the minus strand). VCF-style: chr2-178566851-G-C. GRCh37 (hg19) VCF-style: chr2-179431578-G-C.
Other names: p.D24786E:GAC>GAG; c.74358C>G, p.Asp24786Glu (NM_001256850.1); c.52086C>G, p.Asp17362Glu (NM_003319.4); c.71577C>G, p.Asp23859Glu (NM_133378.4); c.52461C>G, p.Asp17487Glu (NM_133432.3); c.52662C>G, p.Asp17554Glu (NM_133437.4); short protein forms D24786E, D26427E, D17362E, D17487E, D17554E, D23859E.
Identifiers: ClinVar variation 202891 (VCV000202891.3), dbSNP rs766994654, ClinGen allele CA310605.

ClinVar aggregate classification (germline): Uncertain significance. Review status: criteria provided, multiple submitters, no conflicts (2 of 4 stars). 2 submissions from 2 submitters: Uncertain significance (2). Last evaluated 2021-09-17.

Conditions:
Myopathy, myofibrillar, 9, with early respiratory failure (MFM9). Also called: EDSTROM MYOPATHY; MYOPATHY, PROXIMAL, WITH EARLY RESPIRATORY MUSCLE INVOLVEMENT; Myopathy, distal, with early respiratory failure, autosomal dominant; Hereditary myopathy with early respiratory failure. Identifiers: Orphanet 178464, Orphanet 34521, MedGen C1863599, MONDO:0011362, OMIM 603689.
Early-onset myopathy with fatal cardiomyopathy (CMYO5). Also called: CONGENITAL MYOPATHY 5 WITH CARDIOMYOPATHY; Salih Myopathy. Identifiers: Orphanet 289377, MedGen C2673677, MONDO:0012714, OMIM 611705. Disease mechanism: loss of function.
Hypertrophic cardiomyopathy 9. Also called: Familial hypertrophic cardiomyopathy 9. Identifiers: MedGen C1861065, MONDO:0013412, OMIM 613765.
Dilated cardiomyopathy 1G (CMD1G). Identifiers: Orphanet 154, MedGen C1858763, MONDO:0011400, OMIM 604145.
Tibial muscular dystrophy (TMD). Also called: UDD MYOPATHY; Tibial muscular dystrophy, tardive; Udd Distal Myopathy – Tibial Muscular Dystrophy. Identifiers: Orphanet 609, MedGen C1838244, MONDO:0010870, OMIM 600334.
Autosomal recessive limb-girdle muscular dystrophy type 2J (LGMDR10). Also called: MUSCULAR DYSTROPHY, LIMB-GIRDLE, AUTOSOMAL RECESSIVE 10; Limb-girdle muscular dystrophy, type 2J. Identifiers: Orphanet 140922, MedGen C1837342, MONDO:0012127, OMIM 608807.

Allele frequency attached by ClinVar (database versions not stated): TOPMed 0.00002; gnomAD 0.00003.
gnomAD v4.1: 47 of 1,613,278 alleles (0.0029%); highest among the groups gnomAD compares: Non-Finnish European, 0.004%; no homozygotes.

Submissions (2):

Fulgent Genetics
Classification: Uncertain significance for Tibial muscular dystrophy; Myopathy, myofibrillar, 9, with early respiratory failure; Dilated cardiomyopathy 1G; Autosomal recessive limb-girdle muscular dystrophy type 2J; Early-onset myopathy with fatal cardiomyopathy; Hypertrophic cardiomyopathy 9. Last evaluated: 2021-09-17. Review status: criteria provided, single submitter. Criteria: ACMG Guidelines, 2015. Collection method: clinical testing. Allele origin: unknown.

GeneDx
Classification: Uncertain significance. Last evaluated: 2013-06-20. Review status: criteria provided, single submitter. Criteria: GeneDx Variant Classification (06012015). Collection method: clinical testing. Allele origin: germline. Affected: yes.
Comment: Missense variants in the TTN gene are considered 'unclassified' if they are not previously reported in the literature and do not have >1% frequency in the population to be considered a polymorphism. Research indicates that truncating mutations in the TTN gene are expected to account for approximately 25% of familial and 18% of sporadic idiopathic DCM; however, truncating variants in the TTN gene have been reported in approximately 3% of reported control alleles. There has been little investigation into non-truncating variants. (Herman D et al. Truncations of titin causing dilated cardiomyopathy. N Eng J Med 366:619-628, 2012) The variant is found in DCM panel(s).